The following is an entry in ClinVar:

ClinVar aggregate classification (germline): Likely benign (0 of 4 stars; one submission).

Conditions:
PLXNA4-related disorder. Also called: PLXNA4-related condition.

gnomAD v4.1: 24 of 1,614,094 alleles (0.0015%); highest among the groups gnomAD compares: Non-Finnish European, 0.002%; no homozygotes.

Submission:

PreventionGenetics, part of Exact Sciences
Classification: Likely benign for PLXNA4-related condition. Last evaluated: 2024-08-21. Review status: no assertion criteria provided. Collection method: clinical testing. Allele origin: germline.
Comment: This variant is classified as likely benign based on ACMG/AMP sequence variant interpretation guidelines (Richards et al. 2015 PMID: 25741868, with internal and published modifications).

NM_020911.2(PLXNA4):c.5331C>T (p.Thr1777=)

Gene: PLXNA4 (plexin A4; minus strand). Cytogenetic location: 7q32.3.
Variant type: single nucleotide variant.
Coding change: c.5331C>T on transcript NM_020911.2 (MANE Select); coding-DNA position 5331, C replaced by T.
Protein change: p.Thr1777=; no amino-acid change (threonine 1777 retained).
Molecular consequence: synonymous variant.
Genome position (GRCh38, 1-based): chr7:132,140,706, G>A on the plus strand (C>T on the coding strand, the complement: PLXNA4 is on the minus strand). VCF-style: chr7-132140706-G-A. GRCh37 (hg19) VCF-style: chr7-131825465-G-A.
Other names: c.5331C>T, p.Thr1777= (NM_001393897.1).
Identifiers: ClinVar variation 3348654 (VCV003348654.1).
Genomic context (GRCh38, chr7:132,140,706, plus strand): 5'-CTTGTTGGAGGGCGAGTCCTTGCCCAGCCGGTGCTCTGACGTGGAGCAAGAGTCCATGAA[G>A]GTCTGAGCCACCACAGAGAGGCAGGCGTCTGTGATGCTGTTCTTATGGATGTCAAACACA-3'
Protein context (NP_065962.1, residues 1767-1787): TDACLSVVAQ[Thr1777=]FMDSCSTSEH